The following is an entry in ClinVar:

ClinVar aggregate classification (germline): Uncertain significance (1 of 4 stars; one submission).

Conditions:
Emery-Dreifuss muscular dystrophy 5, autosomal dominant (EDMD5). Also called: EMERY-DREIFUSS MUSCULAR DYSTROPHY 5. Identifiers: Orphanet 261, MedGen C2751805, MONDO:0013072, OMIM 612999.

gnomAD v4.1: 1 of 1,614,014 alleles (0.000062%); highest among the groups gnomAD compares: South Asian, 0.0011%; no homozygotes.

Submission:

Labcorp Genetics (formerly Invitae), Labcorp
Classification: Uncertain significance for Emery-Dreifuss muscular dystrophy 5, autosomal dominant. Last evaluated: 2022-11-29. Review status: criteria provided, single submitter. Criteria: Invitae Variant Classification Sherloc (09022015). Collection method: clinical testing. Allele origin: germline.
Comment: In summary, the available evidence is currently insufficient to determine the role of this variant in disease. Therefore, it has been classified as a Variant of Uncertain Significance. Algorithms developed to predict the effect of missense changes on protein structure and function are either unavailable or do not agree on the potential impact of this missense change (SIFT: "Tolerated"; PolyPhen-2: "Possibly Damaging"; Align-GVGD: "Class C0"). ClinVar contains an entry for this variant (Variation ID: 837174). This variant has not been reported in the literature in individuals affected with SYNE2-related conditions. This variant is not present in population databases (gnomAD no frequency). This sequence change replaces isoleucine, which is neutral and non-polar, with threonine, which is neutral and polar, at codon 4793 of the SYNE2 protein (p.Ile4793Thr).

NM_182914.3(SYNE2):c.14378T>C (p.Ile4793Thr)

Gene: SYNE2 (spectrin repeat containing nuclear envelope protein 2; plus strand). Cytogenetic location: 14q23.2.
Variant type: single nucleotide variant.
Coding change: c.14378T>C on transcript NM_182914.3 (MANE Select); coding-DNA position 14378, T replaced by C.
Protein change: p.Ile4793Thr; replaces isoleucine 4793 with threonine.
Molecular consequence: missense variant.
Genome position (GRCh38, 1-based): chr14:64,132,302, T>C. VCF-style: chr14-64132302-T-C. GRCh37 (hg19) VCF-style: chr14-64599020-T-C.
Other names: c.14378T>C, p.Ile4793Thr (NM_015180.6); short protein forms I4793T.
Identifiers: ClinVar variation 837174 (VCV000837174.9), dbSNP rs1281282356, ClinGen allele CA389982923.